The following is an entry in ClinVar:

NM_001364905.1(LRBA):c.8365A>G (p.Arg2789Gly)

Gene: LRBA (LPS responsive beige-like anchor protein; minus strand). Cytogenetic location: 4q31.3.
Variant type: single nucleotide variant.
Coding change: c.8365A>G on transcript NM_001364905.1 (MANE Select); coding-DNA position 8365, A replaced by G.
Protein change: p.Arg2789Gly; replaces arginine 2789 with glycine.
Molecular consequence: missense variant.
Genome position (GRCh38, 1-based): chr4:150,277,956, T>C on the plus strand (A>G on the coding strand, the complement: LRBA is on the minus strand). VCF-style: chr4-150277956-T-C. GRCh37 (hg19) VCF-style: chr4-151199108-T-C.
Other names: c.8362A>G, p.Arg2788Gly (NM_001199282.3); c.8380A>G, p.Arg2794Gly (NM_001367550.1); c.8398A>G, p.Arg2800Gly (NM_006726.5); short protein forms R2794G, R2800G, R2788G, R2789G.
Identifiers: ClinVar variation 1039230 (VCV001039230.7), dbSNP rs141577859, ClinGen allele CA3101363.
Genomic context (GRCh38, chr4:150,277,956, plus strand): 5'-ATCCTGGATAGGCAAAGAGCTGCTTGAGGTCCGACACCTGCCGGACCACGACCACTCCTC[T>C]GTCTCCTCCTGTGAGCAGGTACTGCCCATCTCGGCTCAGCTGGATGGCCTGTGAGACACA-3'
Protein context (NP_001351834.1, residues 2779-2799): DGQYLLTGGD[Arg2789Gly]GVVVVRQVSD

ClinVar aggregate classification (germline): Uncertain significance. Review status: criteria provided, multiple submitters, no conflicts (2 of 4 stars). 2 submissions from 2 submitters: Uncertain significance (2). Last evaluated 2026-04-28.

Conditions:
Inborn genetic diseases. Identifiers: MedGen C0950123, MeSH D030342.
Combined immunodeficiency due to LRBA deficiency. Also called: Common variable immunodeficiency 8, with autoimmunity. Identifiers: Orphanet 445018, MedGen C3553512, MONDO:0013863, OMIM 614700.

Allele frequency attached by ClinVar (database versions not stated): ExAC 0.00002; ESP Exome Variant Server 0.00008; gnomAD exomes 0.00003 and 0.00001; TOPMed 0.00005; gnomAD 0.00005.
gnomAD v4.1: 21 of 1,614,046 alleles (0.0013%); highest among the groups gnomAD compares: African/African-American, 0.019%; no homozygotes.

Submissions (2):

Ambry Genetics
Classification: Uncertain significance for Inborn genetic diseases. Last evaluated: 2026-04-28. Review status: criteria provided, single submitter. Criteria: Ambry Variant Classification Scheme 2023. Collection method: clinical testing. Allele origin: germline.

Labcorp Genetics (formerly Invitae), Labcorp
Classification: Uncertain significance for Combined immunodeficiency due to LRBA deficiency. Last evaluated: 2022-12-02. Review status: criteria provided, single submitter. Criteria: Invitae Variant Classification Sherloc (09022015). Collection method: clinical testing. Allele origin: germline.
Comment: In summary, the available evidence is currently insufficient to determine the role of this variant in disease. Therefore, it has been classified as a Variant of Uncertain Significance. Advanced modeling of protein sequence and biophysical properties (such as structural, functional, and spatial information, amino acid conservation, physicochemical variation, residue mobility, and thermodynamic stability) performed at Invitae indicates that this missense variant is not expected to disrupt LRBA protein function. ClinVar contains an entry for this variant (Variation ID: 1039230). This variant has not been reported in the literature in individuals affected with LRBA-related conditions. This variant is present in population databases (rs141577859, gnomAD 0.02%). This sequence change replaces arginine, which is basic and polar, with glycine, which is neutral and non-polar, at codon 2800 of the LRBA protein (p.Arg2800Gly).